The following is an entry in ClinVar:

NM_198859.4(PRICKLE2):c.1936G>C (p.Asp646His)

Genes: PRICKLE2 (prickle planar cell polarity protein 2; minus strand), PRICKLE2-AS1 (PRICKLE2 antisense RNA 1; plus strand). Cytogenetic location: 3p14.1.
Variant type: single nucleotide variant.
Coding change: c.1936G>C on transcript NM_198859.4 (MANE Select); coding-DNA position 1936, G replaced by C.
Protein change: p.Asp646His; replaces aspartic acid 646 with histidine.
Molecular consequence: missense variant. On other transcripts: non-coding transcript variant (1).
Genome position (GRCh38, 1-based): chr3:64,099,650, C>G on the plus strand (G>C on the coding strand, the complement: PRICKLE2 is on the minus strand). VCF-style: chr3-64099650-C-G. GRCh37 (hg19) VCF-style: chr3-64085326-C-G.
Other names: c.1936G>C, p.Asp646His (NM_001370528.1); short protein forms D646H.
Identifiers: ClinVar variation 4808846 (VCV004808846.1).

ClinVar aggregate classification (germline): Uncertain significance (1 of 4 stars; one submission).

Conditions:
Progressive myoclonic epilepsy type 5. Identifiers: Orphanet 402082, MedGen C5190799.

gnomAD v4.1: 2 of 1,614,182 alleles (0.00012%); highest among the groups gnomAD compares: Non-Finnish European, 0.00017%; no homozygotes.

Submission:

Labcorp Genetics (formerly Invitae), Labcorp
Classification: Uncertain significance for Progressive myoclonic epilepsy type 5. Last evaluated: 2025-05-10. Review status: criteria provided, single submitter. Criteria: Invitae Variant Classification Sherloc (09022015). Collection method: clinical testing. Allele origin: germline.
Comment: This sequence change replaces aspartic acid, which is acidic and polar, with histidine, which is basic and polar, at codon 646 of the PRICKLE2 protein (p.Asp646His). This variant is not present in population databases (gnomAD no frequency). This variant has not been reported in the literature in individuals affected with PRICKLE2-related conditions. Invitae Evidence Modeling of protein sequence and biophysical properties (such as structural, functional, and spatial information, amino acid conservation, physicochemical variation, residue mobility, and thermodynamic stability) indicates that this missense variant is not expected to disrupt PRICKLE2 protein function with a negative predictive value of 80%. In summary, the available evidence is currently insufficient to determine the role of this variant in disease. Therefore, it has been classified as a Variant of Uncertain Significance.